The following is an entry in ClinVar:

ClinVar aggregate classification (germline): Conflicting classifications of pathogenicity. Review status: criteria provided, conflicting classifications (1 of 4 stars). 2 submissions from 2 submitters: Likely pathogenic (1); Uncertain significance (1). Last evaluated 2024-11-05.

Conditions:
SFTPC-related disorder. Also called: SFTPC-related condition.

Submissions (2):

Blueprint Genetics
Classification: Likely pathogenic for SFTPC-related disorders. Last evaluated: 2024-11-05. Review status: criteria provided, single submitter. Criteria: ACMG Guidelines, 2015. Collection method: clinical testing. Allele origin: germline. Affected: yes. Observed: 3 variant alleles.

Labcorp Genetics (formerly Invitae), Labcorp
Classification: Uncertain significance. Last evaluated: 2022-09-21. Review status: criteria provided, single submitter. Criteria: Invitae Variant Classification Sherloc (09022015). Collection method: clinical testing. Allele origin: germline.
Comment: In summary, the available evidence is currently insufficient to determine the role of this variant in disease. Therefore, it has been classified as a Variant of Uncertain Significance. Algorithms developed to predict the effect of missense changes on protein structure and function are either unavailable or do not agree on the potential impact of this missense change (SIFT: "Tolerated"; PolyPhen-2: "Possibly Damaging"; Align-GVGD: "Class C15"). This missense change has been observed in individual(s) with childhood interstitial lung disease (PMID: 11893657). This variant is not present in population databases (gnomAD no frequency). This sequence change replaces threonine, which is neutral and polar, with asparagine, which is neutral and polar, at codon 187 of the SFTPC protein (p.Thr187Asn).

Literature cited by the submitters: PubMed 11893657 (cited by Labcorp Genetics (formerly Invitae), Labcorp).

NM_001317778.2(SFTPC):c.542C>A (p.Thr181Asn)

Gene: SFTPC (surfactant protein C; plus strand). Cytogenetic location: 8p21.3.
Variant type: single nucleotide variant.
Coding change: c.542C>A on transcript NM_001317778.2 (MANE Select); coding-DNA position 542, C replaced by A.
Protein change: p.Thr181Asn; replaces threonine 181 with asparagine.
Molecular consequence: missense variant.
Genome position (GRCh38, 1-based): chr8:22,164,007, C>A. VCF-style: chr8-22164007-C-A. GRCh37 (hg19) VCF-style: chr8-22021520-C-A.
Other names: c.542C>A, p.Thr181Asn (NM_001172357.2, NM_001317780.2, NM_001385656.1 and 3 more transcripts); c.560C>A, p.Thr187Asn (NM_001172410.2, NM_001385653.1, NM_001385654.1 and 2 more transcripts); c.401C>A, p.Thr134Asn (NM_001317779.2, NM_001385660.1); short protein forms T134N, T187N, T181N.
Identifiers: ClinVar variation 2136649 (VCV002136649.5), dbSNP rs2538949147, ClinGen allele CA370538436.
Genomic context (GRCh38, chr8:22,164,007, plus strand): 5'-GAGATGCAGGCTCAGCACCCTCCGGAGGGGACCCGGCCTTCCTGGGCATGGCCGTGAGCA[C>A]CCTGTGTGGCGAGGTGCCGCTCTACTACATCTAGGACGCCTCCGGTGAGCAGGTGTGATC-3'
Protein context (NP_001304707.1, residues 171-191): DPAFLGMAVS[Thr181Asn]LCGEVPLYYI